The following is an entry in ClinVar:

ClinVar aggregate classification (germline): Uncertain significance. Review status: criteria provided, multiple submitters, no conflicts (2 of 4 stars). 3 submissions from 3 submitters: Uncertain significance (3). Last evaluated 2025-10-29.

Conditions:
Inborn genetic diseases. Identifiers: MedGen C0950123, MeSH D030342.
Familial infantile myasthenia (CMS6). Also called: MYASTHENIC SYNDROME, CONGENITAL, 6, PRESYNAPTIC; Congenital myasthenic syndrome type 6; MYASTHENIC SYNDROME, PRESYNAPTIC, CONGENITAL, ASSOCIATED WITH EPISODIC APNEA. Identifiers: Orphanet 590, MedGen C0393929, MONDO:0009689, OMIM 254210.

Submissions (3):

Ambry Genetics
Classification: Uncertain significance for Inborn genetic diseases. Last evaluated: 2025-10-29. Review status: criteria provided, single submitter. Criteria: Ambry Variant Classification Scheme 2023. Collection method: clinical testing. Allele origin: germline.

GeneDx
Classification: Uncertain significance. Last evaluated: 2024-09-05. Review status: criteria provided, single submitter. Criteria: GeneDx Variant Classification Process June 2021. Collection method: clinical testing. Allele origin: germline. Affected: yes.
Comment: Not observed at significant frequency in large population cohorts (gnomAD); In silico analysis indicates that this missense variant does not alter protein structure/function; Has not been previously published as pathogenic or benign to our knowledge

Revvity Omics, Revvity
Classification: Uncertain significance for Familial infantile myasthenia. Last evaluated: 2019-05-20. Review status: criteria provided, single submitter. Criteria: ACMG Guidelines, 2015. Collection method: clinical testing. Allele origin: germline.

NM_020549.5(CHAT):c.178C>T (p.His60Tyr)

Gene: CHAT (choline O-acetyltransferase; plus strand). Cytogenetic location: 10q11.23.
Variant type: single nucleotide variant.
Coding change: c.178C>T on transcript NM_020549.5 (MANE Select); coding-DNA position 178, C replaced by T.
Protein change: p.His60Tyr; replaces histidine 60 with tyrosine.
Molecular consequence: missense variant. On other transcripts: 5 prime UTR variant (4), intron variant (2).
Genome position (GRCh38, 1-based): chr10:49,614,367, C>T. VCF-style: chr10-49614367-C-T. GRCh37 (hg19) VCF-style: chr10-50822413-C-T.
Other names: c.-177C>T (NM_001142929.2, NM_020985.4); c.-139C>T (NM_001142933.2); c.-247C>T (NM_001142934.2); c.-68-2135C>T (NM_020984.4); c.-69+1165C>T (NM_020986.4); short protein forms H60Y.
Identifiers: ClinVar variation 2439948 (VCV002439948.5), dbSNP rs959739791, ClinGen allele CA206622914.